The following is an entry in ClinVar:

ClinVar aggregate classification (germline): Uncertain significance (1 of 4 stars; one submission).

Allele frequency attached by ClinVar (database versions not stated): TOPMed below 0.00001.
gnomAD v4.1: 24 of 1,613,202 alleles (0.0015%); highest among the groups gnomAD compares: Non-Finnish European, 0.002%; no homozygotes.

Submission:

Labcorp Genetics (formerly Invitae), Labcorp
Classification: Uncertain significance. Last evaluated: 2023-04-06. Review status: criteria provided, single submitter. Criteria: Invitae Variant Classification Sherloc (09022015). Collection method: clinical testing. Allele origin: germline.
Comment: This sequence change replaces alanine, which is neutral and non-polar, with threonine, which is neutral and polar, at codon 342 of the TFRC protein (p.Ala342Thr). This variant is present in population databases (no rsID available, gnomAD 0.002%). This variant has not been reported in the literature in individuals affected with TFRC-related conditions. Advanced modeling of protein sequence and biophysical properties (such as structural, functional, and spatial information, amino acid conservation, physicochemical variation, residue mobility, and thermodynamic stability) has been performed at Invitae for this missense variant, however the output from this modeling did not meet the statistical confidence thresholds required to predict the impact of this variant on TFRC protein function. In summary, the available evidence is currently insufficient to determine the role of this variant in disease. Therefore, it has been classified as a Variant of Uncertain Significance.

NM_001128148.3(TFRC):c.1024G>A (p.Ala342Thr)

Gene: TFRC (transferrin receptor; minus strand). Cytogenetic location: 3q29.
Variant type: single nucleotide variant.
Coding change: c.1024G>A on transcript NM_001128148.3 (MANE Select); coding-DNA position 1024, G replaced by A.
Protein change: p.Ala342Thr; replaces alanine 342 with threonine.
Molecular consequence: missense variant.
Genome position (GRCh38, 1-based): chr3:196,067,534, C>T on the plus strand (G>A on the coding strand, the complement: TFRC is on the minus strand). VCF-style: chr3-196067534-C-T. GRCh37 (hg19) VCF-style: chr3-195794405-C-T.
Other names: c.781G>A, p.Ala261Thr (NM_001313965.2); c.178G>A, p.Ala60Thr (NM_001313966.2); c.1024G>A, p.Ala342Thr (NM_003234.4); short protein forms A261T, A342T, A60T.
Identifiers: ClinVar variation 2987332 (VCV002987332.3), dbSNP rs772462707, ClinGen allele CA355572987.